The following is an entry in ClinVar:

NM_006015.6(ARID1A):c.483CGC[6] (p.Ala167_Val168insAlaAla)

Gene: ARID1A (AT-rich interaction domain 1A; plus strand). Cytogenetic location: 1p36.11.
Variant type: Microsatellite.
Coding change: c.483CGC[6] on transcript NM_006015.6 (MANE Select); six copies in a row of the 3-base unit CGC starting at c.483; the reference has four copies in a row; two copies, 6 bases duplicated.
Protein change: p.Ala167_Val168insAlaAla.
Molecular consequence: inframe insertion. On other transcripts: inframe indel (2).
Genome position (GRCh38, 1-based): chr1:26,696,892-26,696,897, CGCCGC duplicated; duplicating any 6 consecutive bases within chr1:26,696,886-26,696,897 gives the same sequence; the position shown is the placement nearest the transcript's 3' end. VCF-style (leftmost placement, unchanged base first): chr1-26696885-T-TCGCCGC. GRCh37 (hg19) VCF-style: chr1-27023376-T-TCGCCGC.
Other names: c.483_485CGC[6], p.Ala167_Val168insAlaAla (NM_006015.4); c.483CGC[6], p.Ala167_Val168insAlaAla (NM_139135.4); c.489_494dup6 (NM_006015.4).
Identifiers: ClinVar variation 3354803 (VCV003354803.1).

ClinVar aggregate classification (germline): Uncertain significance (0 of 4 stars; one submission).

Conditions:
ARID1A-related disorder. Also called: ARID1A-related condition.

Submission:

PreventionGenetics, part of Exact Sciences
Classification: Uncertain significance for ARID1A-related condition. Last evaluated: 2024-09-09. Review status: no assertion criteria provided. Collection method: clinical testing. Allele origin: germline.
Comment: The ARID1A c.489_494dup6 variant is predicted to result in an in-frame duplication (p.Ala166_Ala167dup). This variant was reported in individuals with neurodevelopmental disorder (Supplementary Table 1, Valencia et al. 2023. PubMed ID: 37500730). This variant has not been reported in a large population database, indicating this variant is rare. At this time, the clinical significance of this variant is uncertain due to the absence of conclusive functional and genetic evidence.